The following is an entry in ClinVar:

ClinVar aggregate classification (germline): Uncertain significance (1 of 4 stars; one submission).

Submission:

Women's Health and Genetics/Laboratory Corporation of America, LabCorp
Classification: Uncertain significance. Last evaluated: 2024-11-15. Review status: criteria provided, single submitter. Criteria: LabCorp Variant Classification Summary - May 2015. Collection method: clinical testing. Allele origin: germline.
Comment: Variant summary: SLC22A5 c.495C>A (p.Asp165Glu) results in a conservative amino acid change located in the MFS transporter superfamily domain of the encoded protein sequence. Four of five in-silico tools predict a damaging effect of the variant on protein function. Consensus agreement among computation tools predict no significant impact on normal splicing. However, these predictions have yet to be confirmed by functional studies. The variant was absent in 251488 control chromosomes. The available data on variant occurrences in the general population are insufficient to allow any conclusion about variant significance. c.495C>A has been reported in the literature in at-least one individual affected with Systemic Primary Carnitine Deficiency (example: Zhang_2019). These data do not allow any conclusion about variant significance. To our knowledge, no experimental evidence demonstrating an impact on protein function has been reported. The following publication has been ascertained in the context of this evaluation (PMID: 31364285). No submitters have cited clinical-significance assessments for this variant to ClinVar. Based on the evidence outlined above, the variant was classified as uncertain significance.

Literature cited by the submitters: PubMed 31364285.

NM_003060.4(SLC22A5):c.495C>A (p.Asp165Glu)

Gene: SLC22A5 (solute carrier family 22 member 5; plus strand). Cytogenetic location: 5q31.1.
Variant type: single nucleotide variant.
Coding change: c.495C>A on transcript NM_003060.4 (MANE Select); coding-DNA position 495, C replaced by A.
Protein change: p.Asp165Glu; replaces aspartic acid 165 with glutamic acid.
Molecular consequence: missense variant.
Genome position (GRCh38, 1-based): chr5:132,378,479, C>A. VCF-style: chr5-132378479-C-A. GRCh37 (hg19) VCF-style: chr5-131714171-C-A.
Other names: c.567C>A, p.Asp189Glu (NM_001308122.2); short protein forms D165E, D189E.
Identifiers: ClinVar variation 3629623 (VCV003629623.1).